The following is an entry in ClinVar:

NC_000023.10:g.(?_132670152)_(132795898_?)del

Gene: GPC3 (glypican 3; minus strand). Cytogenetic location: Xq26.2.
Variant type: Deletion.
Identifiers: ClinVar variation 2425130 (VCV002425130.1).

ClinVar aggregate classification (germline): Pathogenic (1 of 4 stars; one submission).

Conditions:
Wilms tumor 1 (WT1). Also called: Wilms tumor, somatic. Identifiers: Orphanet 654, MedGen CN033288, MONDO:0008679, OMIM 194070.

Submission:

Labcorp Genetics (formerly Invitae), Labcorp
Classification: Pathogenic for Wilms tumor 1. Last evaluated: 2022-02-20. Review status: criteria provided, single submitter. Criteria: Invitae Variant Classification Sherloc (09022015). Collection method: clinical testing. Allele origin: germline.
Comment: This variant is a gross deletion of the genomic region encompassing exon(s) 6-8 of the GPC3 gene, which includes the termination codon. This deletion extends beyond the assayed region for this gene and therefore may encompass additional genes. While this deletion is not anticipated to lead to nonsense mediated decay, it is expected to alter mRNA translation or result in a truncated protein product. A similar copy number variant has been observed in individuals with Simpson-Golabi-Behmel syndrome (PMID: 8589713). This variant disrupts a region of the GPC3 protein in which other variant(s) (p.Gly556Arg) have been determined to be pathogenic (PMID: 19215053, 29637653). This suggests that this is a clinically significant region of the protein, and that variants that disrupt it are likely to be disease-causing. For these reasons, this variant has been classified as Pathogenic.

Literature cited by the submitters: PubMed 8589713; PubMed 19215053; PubMed 29637653.